The following is an entry in ClinVar:

NM_006129.5(BMP1):c.2154C>T (p.Cys718=)

Gene: BMP1 (bone morphogenetic protein 1; plus strand). Cytogenetic location: 8p21.3.
Variant type: single nucleotide variant.
Coding change: c.2154C>T on transcript NM_006129.5 (MANE Select); coding-DNA position 2154, C replaced by T.
Protein change: p.Cys718=; no amino-acid change (cysteine 718 retained).
Molecular consequence: synonymous variant. On other transcripts: non-coding transcript variant (1).
Genome position (GRCh38, 1-based): chr8:22,201,849, C>T. VCF-style: chr8-22201849-C-T. GRCh37 (hg19) VCF-style: chr8-22059362-C-T.
Identifiers: ClinVar variation 716959 (VCV000716959.14), dbSNP rs61729095, ClinGen allele CA4665137.

ClinVar aggregate classification (germline): Benign/Likely benign. Review status: criteria provided, multiple submitters, no conflicts (2 of 4 stars). 4 submissions from 4 submitters: Benign (2); Likely benign (2). Last evaluated 2026-01-24.

Conditions:
Osteogenesis imperfecta type 13. Also called: OI, TYPE XIII; Osteogenesis imperfecta, type xiii. Identifiers: Orphanet 666, MedGen C3553887, MONDO:0013924, OMIM 614856.

Allele frequency attached by ClinVar (database versions not stated): ExAC 0.00070; 1000 Genomes Project 0.00220; gnomAD 0.00228 and 0.00243; 1000 Genomes Project 30x 0.00250; TOPMed 0.00267; ESP Exome Variant Server 0.00277.
gnomAD v4.1: 708 of 1,613,782 alleles (0.044%); highest among the groups gnomAD compares: African/African-American, 0.81%; 4 homozygotes.

Submissions (4):

Labcorp Genetics (formerly Invitae), Labcorp
Classification: Benign. Last evaluated: 2026-01-24. Review status: criteria provided, single submitter. Criteria: Invitae Variant Classification Sherloc (09022015). Collection method: clinical testing. Allele origin: germline.

Blueprint Genetics
Classification: Likely benign. Last evaluated: 2024-07-19. Review status: criteria provided, single submitter. Criteria: ACMG Guidelines, 2015. Collection method: clinical testing. Allele origin: germline.

GeneDx
Classification: Benign. Last evaluated: 2020-04-21. Review status: criteria provided, single submitter. Criteria: GeneDx Variant Classification Process June 2021. Collection method: clinical testing. Allele origin: germline. Affected: yes.

Illumina Laboratory Services, Illumina
Classification: Likely benign for Osteogenesis imperfecta type 13. Last evaluated: 2018-01-13. Review status: criteria provided, single submitter. Criteria: ICSL Variant Classification Criteria 13 December 2019. Collection method: clinical testing. Allele origin: germline.
Comment: This variant was observed in the ICSL laboratory as part of a predisposition screen in an ostensibly healthy population. It had not been previously curated by ICSL or reported in the Human Gene Mutation Database (HGMD: prior to June 1st, 2018), and was therefore a candidate for classification through an automated scoring system. Utilizing variant allele frequency, disease prevalence and penetrance estimates, and inheritance mode, an automated score was calculated to assess if this variant is too frequent to cause the disease. Based on the score and internal cut-off values, a variant classified as likely benign is not then subjected to further curation. The score for this variant resulted in a classification of likely benign for this disease.